The following is an entry in ClinVar:

NM_001122752.2(SERPINI1):c.462G>A (p.Trp154Ter)

Gene: SERPINI1 (serpin family I member 1; plus strand). Cytogenetic location: 3q26.1.
Variant type: single nucleotide variant.
Coding change: c.462G>A on transcript NM_001122752.2 (MANE Select); coding-DNA position 462, G replaced by A.
Protein change: p.Trp154Ter; replaces tryptophan 154 with a stop codon.
Molecular consequence: nonsense.
Genome position (GRCh38, 1-based): chr3:167,790,583, G>A. VCF-style: chr3-167790583-G-A. GRCh37 (hg19) VCF-style: chr3-167508371-G-A.
Other names: c.462G>A, p.Trp154Ter (NM_005025.5); short protein forms W154*.
Identifiers: ClinVar variation 1025218 (VCV001025218.6), dbSNP rs1727473660, ClinGen allele CA355156370.

ClinVar aggregate classification (germline): Uncertain significance (1 of 4 stars; one submission).

Conditions:
Familial encephalopathy with neuroserpin inclusion bodies. Also called: ENCEPHALOPATHY, FAMILIAL, WITH COLLINS BODIES. Identifiers: Orphanet 85110, MedGen C1858680, MONDO:0011412, OMIM 604218.

Allele frequency attached by ClinVar (database versions not stated): TOPMed below 0.00001.

Submission:

Labcorp Genetics (formerly Invitae), Labcorp
Classification: Uncertain significance for Familial encephalopathy with neuroserpin inclusion bodies. Last evaluated: 2022-10-24. Review status: criteria provided, single submitter. Criteria: Invitae Variant Classification Sherloc (09022015). Collection method: clinical testing. Allele origin: germline.
Comment: This variant is not present in population databases (gnomAD no frequency). In summary, the available evidence is currently insufficient to determine the role of this variant in disease. Therefore, it has been classified as a Variant of Uncertain Significance. Algorithms developed to predict the effect of sequence changes on RNA splicing suggest that this variant may disrupt the consensus splice site. ClinVar contains an entry for this variant (Variation ID: 1025218). This variant has not been reported in the literature in individuals affected with SERPINI1-related conditions. This sequence change creates a premature translational stop signal (p.Trp154*) in the SERPINI1 gene. It is expected to result in an absent or disrupted protein product. However, the current clinical and genetic evidence is not sufficient to establish whether loss-of-function variants in SERPINI1 cause disease.